The following is an entry in ClinVar:

ClinVar aggregate classification (germline): Uncertain significance. Review status: criteria provided, multiple submitters, no conflicts (2 of 4 stars). 3 submissions from 3 submitters: Uncertain significance (3). Last evaluated 2023-09-29.

Conditions:
Inborn genetic diseases. Identifiers: MedGen C0950123, MeSH D030342.

Allele frequency attached by ClinVar (database versions not stated): ExAC 0.00002; TOPMed 0.00002; gnomAD 0.00003; gnomAD exomes 0.00004.
gnomAD v4.1: 54 of 1,602,246 alleles (0.0034%); highest among the groups gnomAD compares: Middle Eastern, 0.016%; no homozygotes.

Submissions (3):

Ambry Genetics
Classification: Uncertain significance for Inborn genetic diseases. Last evaluated: 2023-09-29. Review status: criteria provided, single submitter. Criteria: Ambry Variant Classification Scheme 2023. Collection method: clinical testing. Allele origin: germline.

Labcorp Genetics (formerly Invitae), Labcorp
Classification: Uncertain significance. Last evaluated: 2023-07-07. Review status: criteria provided, single submitter. Criteria: Invitae Variant Classification Sherloc (09022015). Collection method: clinical testing. Allele origin: germline.
Comment: This variant has not been reported in the literature in individuals affected with ARHGEF18-related conditions. ClinVar contains an entry for this variant (Variation ID: 853934). Algorithms developed to predict the effect of missense changes on protein structure and function output the following: SIFT: "Not Available"; PolyPhen-2: "Benign"; Align-GVGD: "Not Available". The arginine amino acid residue is found in multiple mammalian species, which suggests that this missense change does not adversely affect protein function. In summary, the available evidence is currently insufficient to determine the role of this variant in disease. Therefore, it has been classified as a Variant of Uncertain Significance. The frequency data for this variant in the population databases is considered unreliable, as metrics indicate poor data quality at this position in the gnomAD database. This sequence change replaces glycine, which is neutral and non-polar, with arginine, which is basic and polar, at codon 712 of the ARHGEF18 protein (p.Gly712Arg).

Blueprint Genetics
Classification: Uncertain significance. Last evaluated: 2021-09-29. Review status: criteria provided, single submitter. Criteria: ACMG Guidelines, 2015. Collection method: clinical testing. Allele origin: germline.

NM_001367823.1(ARHGEF18):c.2698G>A (p.Gly900Arg)

Gene: ARHGEF18 (Rho/Rac guanine nucleotide exchange factor 18; plus strand). Cytogenetic location: 19p13.2.
Variant type: single nucleotide variant.
Coding change: c.2698G>A on transcript NM_001367823.1 (MANE Select); coding-DNA position 2698, G replaced by A.
Protein change: p.Gly900Arg; replaces glycine 900 with arginine.
Molecular consequence: missense variant.
Genome position (GRCh38, 1-based): chr19:7,463,880, G>A. VCF-style: chr19-7463880-G-A. GRCh37 (hg19) VCF-style: chr19-7528766-G-A.
Other names: c.1972G>A, p.Gly658Arg (NM_001130955.2); c.1660G>A, p.Gly554Arg (NM_001367824.1, NM_015318.4); short protein forms G554R, G658R, G900R.
Identifiers: ClinVar variation 853934 (VCV000853934.11), dbSNP rs766243717, ClinGen allele CA9136948.
Genomic context (GRCh38, chr19:7,463,880, plus strand): 5'-GAGGGCATCCAGAGCCTGATCTGCAGGCAGCTGGGCAGCGCCAACGGCCAGGCGGAAGAC[G>A]GAGGCAGCTCCACAGGCCCGCCCAGGAGGGCTGAGACCTTCGCGGGCTACGACTGCACAA-3'
Protein context (NP_001354752.1, residues 890-910): LGSANGQAED[Gly900Arg]GSSTGPPRRA